The following is an entry in ClinVar:

ClinVar aggregate classification (germline): Conflicting classifications of pathogenicity. Review status: criteria provided, conflicting classifications (1 of 4 stars). 10 submissions from 10 submitters: Uncertain significance (1); Benign (2); Likely benign (4). 3 of the submissions do not count toward it. Last evaluated 2026-02-01.

Conditions:
Congenital stationary night blindness 2A (CSNB2A). Also called: CSNB, INCOMPLETE, X-LINKED; CACNA1F-Related X-Linked Congenital Stationary Night Blindness; NIGHT BLINDNESS, CONGENITAL STATIONARY, TYPE 2; Night blindness, congenital stationary (incomplete), 2A, X-linked. Identifiers: Orphanet 215, MedGen C1848172, MONDO:0010241, OMIM 300071.
Retinal dystrophy. Also called: Inherited retinal dystrophy. Identifiers: Orphanet 71862, MedGen C0854723, MeSH D058499, MONDO:0019118, HP:0000556.

Allele frequency attached by ClinVar (database versions not stated): TOPMed 0.00202; gnomAD exomes 0.00206 and 0.00326; 1000 Genomes Project 0.00212; gnomAD 0.00227 and 0.00229; ESP Exome Variant Server 0.00248; 1000 Genomes Project 30x 0.00250; ExAC 0.00305.
gnomAD v4.1: 3,673 of 1,160,649 alleles (0.32%); highest among the groups gnomAD compares: Middle Eastern, 0.63%; 8 homozygotes.

Submissions (10):

Labcorp Genetics (formerly Invitae), Labcorp
Classification: Benign. Last evaluated: 2026-02-01. Review status: criteria provided, single submitter. Criteria: Invitae Variant Classification Sherloc (09022015). Collection method: clinical testing. Allele origin: germline.

Blueprint Genetics
Classification: Likely benign. Last evaluated: 2024-11-23. Review status: criteria provided, single submitter. Criteria: ACMG Guidelines, 2015. Collection method: clinical testing. Allele origin: germline.

Mendelics
Classification: Benign for Congenital stationary night blindness 2A. Last evaluated: 2023-08-22. Review status: criteria provided, single submitter. Criteria: Mendelics Assertion Criteria 2019. Collection method: clinical testing. Allele origin: germline.

Institute of Human Genetics, Univ. Regensburg, Univ. Regensburg
Classification: Likely benign for Retinal dystrophy. Last evaluated: 2021-01-01. Review status: criteria provided, single submitter. Criteria: ACMG Guidelines, 2015. Collection method: clinical testing. Allele origin: germline. Affected: yes.

Eurofins Ntd Llc (ga)
Classification: Uncertain significance. Last evaluated: 2016-11-29. Review status: criteria provided, single submitter. Criteria: EGL Classification Definitions 2015. Collection method: clinical testing. Allele origin: germline. Observed: 1 variant allele, 1 heterozygote.

Laboratory for Molecular Medicine, Mass General Brigham Personalized Medicine
Classification: Likely benign. Last evaluated: 2016-03-29. Review status: criteria provided, single submitter. Criteria: LMM Criteria. Collection method: clinical testing. Allele origin: germline.
Comment: Variant identified in a genome or exome case(s) and assessed due to predicted null impact of the variant or pathogenic assertions in the literature or databases. Disclaimer: This variant has not undergone full assessment. The following are preliminary notes: Variant has been reported in unknown number of patients with XL congenital stationary night blindness (Weleber 2002 - from abstract, full text not available). MAF 0.6%, 6 hem in ExAC. Status PASS, but relatively poorly covered (51/9104 Eur chr).

PreventionGenetics, part of Exact Sciences
Classification: Likely benign. Review status: criteria provided, single submitter. Criteria: ACMG Guidelines, 2015. Collection method: clinical testing. Allele origin: germline.

Clinical Genetics DNA and cytogenetics Diagnostics Lab, Erasmus MC, Erasmus Medical Center
Classification: Likely benign. Review status: no assertion criteria provided. Collection method: clinical testing. Allele origin: germline. Affected: yes. Study: VKGL Data-share Consensus. Not counted in ClinVar's aggregate classification.

Clinical Genetics, Academic Medical Center
Classification: Benign. Review status: no assertion criteria provided. Collection method: clinical testing. Allele origin: germline. Affected: yes. Study: VKGL Data-share Consensus. Not counted in ClinVar's aggregate classification.

Joint Genome Diagnostic Labs from Nijmegen and Maastricht, Radboudumc and MUMC+
Classification: Benign. Review status: no assertion criteria provided. Collection method: clinical testing. Allele origin: germline. Affected: yes. Study: VKGL Data-share Consensus. Not counted in ClinVar's aggregate classification.

Literature cited by the submitters: PubMed 12187427 (cited by Institute of Human Genetics, Univ. Regensburg, Univ. Regensburg and Eurofins Ntd Llc (ga)); PubMed 27884173 (cited by Institute of Human Genetics, Univ. Regensburg, Univ. Regensburg); PubMed 26355662 (cited by Institute of Human Genetics, Univ. Regensburg, Univ. Regensburg).

NM_001256789.3(CACNA1F):c.1870G>A (p.Val624Ile)

Gene: CACNA1F (calcium voltage-gated channel subunit alpha1 F; minus strand). Cytogenetic location: Xp11.23.
Variant type: single nucleotide variant.
Coding change: c.1870G>A on transcript NM_001256789.3 (MANE Select); coding-DNA position 1870, G replaced by A.
Protein change: p.Val624Ile; replaces valine 624 with isoleucine.
Molecular consequence: missense variant.
Genome position (GRCh38, 1-based): chrX:49,224,768, C>T on the plus strand (G>A on the coding strand, the complement: CACNA1F is on the minus strand). VCF-style: chrX-49224768-C-T. GRCh37 (hg19) VCF-style: chrX-49081230-C-T.
Other names: c.1708G>A, p.Val570Ile (NM_001256790.3); c.1903G>A, p.Val635Ile (NM_005183.4); short protein forms V635I, V570I, V624I.
Identifiers: ClinVar variation 259657 (VCV000259657.30), dbSNP rs141010716, ClinGen allele CA10410781.